The following is an entry in ClinVar:

ClinVar aggregate classification (germline): Uncertain significance. Review status: criteria provided, multiple submitters, no conflicts (2 of 4 stars). 4 submissions from 4 submitters: Uncertain significance (3). 1 of the submissions does not count toward it. Last evaluated 2024-01-16.

Conditions:
SOS2-related disorder. Also called: SOS2-related condition.
Cardiovascular phenotype. Identifiers: MedGen CN230736.

gnomAD v4.1: 11 of 1,614,010 alleles (0.00068%); highest among the groups gnomAD compares: Non-Finnish European, 0.00093%; no homozygotes.

Submissions (4):

Ambry Genetics
Classification: Uncertain significance for Cardiovascular phenotype. Last evaluated: 2024-01-16. Review status: criteria provided, single submitter. Criteria: Ambry Variant Classification Scheme 2023. Collection method: clinical testing. Allele origin: germline.
Comment: The p.K517R variant (also known as c.1550A>G), located in coding exon 10 of the SOS2 gene, results from an A to G substitution at nucleotide position 1550. The lysine at codon 517 is replaced by arginine, an amino acid with highly similar properties. This amino acid position is conserved. In addition, this alteration is predicted to be tolerated by in silico analysis. Since supporting evidence is limited at this time, the clinical significance of this alteration remains unclear.

Blueprint Genetics
Classification: Uncertain significance. Last evaluated: 2020-12-04. Review status: criteria provided, single submitter. Criteria: ACMG Guidelines, 2015. Collection method: clinical testing. Allele origin: germline.

GeneDx
Classification: Uncertain significance. Last evaluated: 2018-01-05. Review status: criteria provided, single submitter. Criteria: GeneDx Variant Classification (06012015). Collection method: clinical testing. Allele origin: germline. Affected: yes.
Comment: A variant of uncertain significance has been identified in the SOS2 gene. The K517R variant has not been published as a pathogenic variant, nor has it been reported as a benign variant to our knowledge. The K517R variant is not observed in large population cohorts (Lek et al., 2016). The K517R variant is a conservative amino acid substitution, which is not likely to impact secondary protein structure as these residues share similar properties. In-silico analyses, including protein predictors and evolutionary conservation, support that this variant does not alter protein structure/function. Therefore, based on the currently available information, it is unclear whether this variant is a pathogenic variant or a rare benign variant.

PreventionGenetics, part of Exact Sciences
Classification: Uncertain significance for SOS2-related condition. Last evaluated: 2024-02-28. Review status: no assertion criteria provided. Collection method: clinical testing. Allele origin: germline. Not counted in ClinVar's aggregate classification.
Comment: The SOS2 c.1550A>G variant is predicted to result in the amino acid substitution p.Lys517Arg. To our knowledge, this variant has not been reported in the literature or in a large population database, indicating this variant is rare. At this time, the clinical significance of this variant is uncertain due to the absence of conclusive functional and genetic evidence.

NM_006939.4(SOS2):c.1550A>G (p.Lys517Arg)

Gene: SOS2 (SOS Ras/Rho guanine nucleotide exchange factor 2; minus strand). Cytogenetic location: 14q21.3.
Variant type: single nucleotide variant.
Coding change: c.1550A>G on transcript NM_006939.4 (MANE Select); coding-DNA position 1550, A replaced by G.
Protein change: p.Lys517Arg; replaces lysine 517 with arginine.
Molecular consequence: missense variant.
Genome position (GRCh38, 1-based): chr14:50,159,733, T>C on the plus strand (A>G on the coding strand, the complement: SOS2 is on the minus strand). VCF-style: chr14-50159733-T-C. GRCh37 (hg19) VCF-style: chr14-50626451-T-C.
Other names: c.1550A>G (NM_006939.3); short protein forms K517R.
Identifiers: ClinVar variation 561715 (VCV000561715.5), dbSNP rs367970301, ClinGen allele CA389645513.